The following is an entry in ClinVar:

NM_003036.4(SKI):c.1488G>C (p.Leu496Phe)

Gene: SKI (SKI proto-oncogene; plus strand). Cytogenetic location: 1p36.32.
Variant type: single nucleotide variant.
Coding change: c.1488G>C on transcript NM_003036.4 (MANE Select); coding-DNA position 1488, G replaced by C.
Protein change: p.Leu496Phe; replaces leucine 496 with phenylalanine.
Molecular consequence: missense variant.
Genome position (GRCh38, 1-based): chr1:2,304,306, G>C. VCF-style: chr1-2304306-G-C. GRCh37 (hg19) VCF-style: chr1-2235745-G-C.
Other names: short protein forms L496F.
Identifiers: ClinVar variation 2189822 (VCV002189822.4), dbSNP rs2521491668, ClinGen allele CA337957005.

ClinVar aggregate classification (germline): Uncertain significance (1 of 4 stars; one submission).

Conditions:
Shprintzen-Goldberg syndrome (SGS). Also called: Marfanoid disorder with craniosynostosis type 1; Marfanoid craniosynostosis syndrome; Shprintzen-Goldberg marfanoid syndrome; SHPRINTZEN-GOLDBERG CRANIOSYNOSTOSIS SYNDROME; CRANIOSYNOSTOSIS WITH ARACHNODACTYLY AND ABDOMINAL HERNIAS. Identifiers: Orphanet 2462, MedGen C1321551, MONDO:0008426, OMIM 182212.

Allele frequency attached by ClinVar (database versions not stated): gnomAD exomes 0.00001.
gnomAD v4.1: 8 of 1,551,648 alleles (0.00052%); highest among the groups gnomAD compares: Non-Finnish European, 0.0007%; no homozygotes.

Submission:

Labcorp Genetics (formerly Invitae), Labcorp
Classification: Uncertain significance for Shprintzen-Goldberg syndrome. Last evaluated: 2025-07-27. Review status: criteria provided, single submitter. Criteria: Invitae Variant Classification Sherloc (09022015). Collection method: clinical testing. Allele origin: germline.
Comment: This sequence change replaces leucine, which is neutral and non-polar, with phenylalanine, which is neutral and non-polar, at codon 496 of the SKI protein (p.Leu496Phe). This variant is not present in population databases (gnomAD no frequency). This variant has not been reported in the literature in individuals affected with SKI-related conditions. ClinVar contains an entry for this variant (Variation ID: 2189822). Invitae Evidence Modeling of protein sequence and biophysical properties (such as structural, functional, and spatial information, amino acid conservation, physicochemical variation, residue mobility, and thermodynamic stability) indicates that this missense variant is not expected to disrupt SKI protein function with a negative predictive value of 95%. In summary, the available evidence is currently insufficient to determine the role of this variant in disease. Therefore, it has been classified as a Variant of Uncertain Significance.